The following is an entry in ClinVar:

NM_201548.5(CERKL):c.262T>G (p.Cys88Gly)

Gene: CERKL (CERK like autophagy regulator; minus strand). Cytogenetic location: 2q31.3.
Variant type: single nucleotide variant.
Coding change: c.262T>G on transcript NM_201548.5 (MANE Select); coding-DNA position 262, T replaced by G.
Protein change: p.Cys88Gly; replaces cysteine 88 with glycine.
Molecular consequence: missense variant. On other transcripts: non-coding transcript variant (2).
Genome position (GRCh38, 1-based): chr2:181,604,056, A>C on the plus strand (T>G on the coding strand, the complement: CERKL is on the minus strand). VCF-style: chr2-181604056-A-C. GRCh37 (hg19) VCF-style: chr2-182468783-A-C.
Other names: c.262T>G, p.Cys88Gly (NM_001030311.3, NM_001030312.3, NM_001030313.3 and 1 more transcripts); short protein forms C88G.
Identifiers: ClinVar variation 1475569 (VCV001475569.8), dbSNP rs2105894357, ClinGen allele CA349731066.

ClinVar aggregate classification (germline): Uncertain significance (1 of 4 stars; one submission).

Submission:

Labcorp Genetics (formerly Invitae), Labcorp
Classification: Uncertain significance. Last evaluated: 2022-05-23. Review status: criteria provided, single submitter. Criteria: Invitae Variant Classification Sherloc (09022015). Collection method: clinical testing. Allele origin: germline.
Comment: Algorithms developed to predict the effect of sequence changes on RNA splicing suggest that this variant may create or strengthen a splice site. Algorithms developed to predict the effect of missense changes on protein structure and function output the following: SIFT: "Tolerated"; PolyPhen-2: "Benign"; Align-GVGD: "Class C0". The glycine amino acid residue is found in multiple mammalian species, which suggests that this missense change does not adversely affect protein function. This variant has not been reported in the literature in individuals affected with CERKL-related conditions. This variant is not present in population databases (gnomAD no frequency). This sequence change replaces cysteine, which is neutral and slightly polar, with glycine, which is neutral and non-polar, at codon 88 of the CERKL protein (p.Cys88Gly). In summary, the available evidence is currently insufficient to determine the role of this variant in disease. Therefore, it has been classified as a Variant of Uncertain Significance.